The following is an entry in ClinVar:

ClinVar aggregate classification (germline): Likely benign (1 of 4 stars; one submission).

Conditions:
Pitt-Hopkins-like syndrome 2 (PTHSL2). Identifiers: Orphanet 221150, Orphanet 600663, MedGen C3280479, MONDO:0013690, OMIM 614325.

Allele frequency attached by ClinVar (database versions not stated): 1000 Genomes Project 30x 0.00047; 1000 Genomes Project 0.00060; gnomAD 0.00182 and 0.00210; TOPMed 0.00229.

Submission:

Illumina Laboratory Services, Illumina
Classification: Likely benign for Pitt-Hopkins-like syndrome 2. Last evaluated: 2018-01-12. Review status: criteria provided, single submitter. Criteria: ICSL Variant Classification Criteria 13 December 2019. Collection method: clinical testing. Allele origin: germline.
Comment: This variant was observed in the ICSL laboratory as part of a predisposition screen in an ostensibly healthy population. It had not been previously curated by ICSL or reported in the Human Gene Mutation Database (HGMD: prior to June 1st, 2018), and was therefore a candidate for classification through an automated scoring system. Utilizing variant allele frequency, disease prevalence and penetrance estimates, and inheritance mode, an automated score was calculated to assess if this variant is too frequent to cause the disease. Based on the score and internal cut-off values, a variant classified as likely benign is not then subjected to further curation. The score for this variant resulted in a classification of likely benign for this disease.

NM_001330078.2(NRXN1):c.*2277G>A

Gene: NRXN1 (neurexin 1; minus strand). Cytogenetic location: 2p16.3.
Variant type: single nucleotide variant.
Coding change: c.*2277G>A on transcript NM_001330078.2 (MANE Select); 2277 bases downstream of the stop codon, G replaced by A.
Molecular consequence: 3 prime UTR variant.
Genome position (GRCh38, 1-based): chr2:49,919,667, C>T on the plus strand (G>A on the coding strand, the complement: NRXN1 is on the minus strand). VCF-style: chr2-49919667-C-T. GRCh37 (hg19) VCF-style: chr2-50146805-C-T.
Other names: c.*2277G>A (NM_001135659.3, NM_001320156.4, NM_001320157.4 and 17 more transcripts).
Identifiers: ClinVar variation 336513 (VCV000336513.5), dbSNP rs187875122, ClinGen allele CA10614098.
Genomic context (GRCh38, chr2:49,919,667, plus strand): 5'-TTCTTATTTAACTGGCTTTCCCTGAGTAAGACTGAATGAGACGGGGGAAAAGAAAAGACT[C>T]GTGAATTATTTAATGTGGCAAATTAAAAAAAATGAAAATCTAGAAAAGAAGCAATGGATA-3'